The following is an entry in ClinVar:

NM_004268.5(MED17):c.1763G>C (p.Ser588Thr)

Gene: MED17 (mediator complex subunit 17; plus strand). Cytogenetic location: 11q21.
Variant type: single nucleotide variant.
Coding change: c.1763G>C on transcript NM_004268.5 (MANE Select); coding-DNA position 1763, G replaced by C.
Protein change: p.Ser588Thr; replaces serine 588 with threonine.
Molecular consequence: missense variant.
Genome position (GRCh38, 1-based): chr11:93,811,871, G>C. VCF-style: chr11-93811871-G-C. GRCh37 (hg19) VCF-style: chr11-93545037-G-C.
Other names: short protein forms S588T.
Identifiers: ClinVar variation 1310167 (VCV001310167.2), dbSNP rs527602360, ClinGen allele CA6232712.
Genomic context (GRCh38, chr11:93,811,871, plus strand): 5'-TGGTAAACTAGAGTGTATTGATATTTTGGTTTTTCTCCACAGTTCGTAATGGACCTGAAA[G>C]TGGCAGCAAGATTATGGTTCAGTTTCCTCGTAACCAATGTAAAGACCTTCCAAAAAGTGA-3'
Protein context (NP_004259.3, residues 578-598): YAISVRNGPE[Ser588Thr]GSKIMVQFPR

ClinVar aggregate classification (germline): Uncertain significance (1 of 4 stars; one submission).

Allele frequency attached by ClinVar (database versions not stated): ExAC 0.00002; gnomAD exomes 0.00002 and 0.00008; gnomAD 0.00013; TOPMed 0.00017; 1000 Genomes Project 0.00020; 1000 Genomes Project 30x 0.00031.
gnomAD v4.1: 43 of 1,614,128 alleles (0.0027%); highest among the groups gnomAD compares: Admixed American, 0.048%; no homozygotes.

Submission:

GeneDx
Classification: Uncertain significance. Last evaluated: 2019-11-06. Review status: criteria provided, single submitter. Criteria: GeneDx Variant Classification Process June 2021. Collection method: clinical testing. Allele origin: germline. Affected: yes.
Comment: In silico analysis, which includes protein predictors and evolutionary conservation, supports that this variant does not alter protein structure/function; Has not been previously published as pathogenic or benign to our knowledge